The following is an entry in ClinVar:

NM_001458.5(FLNC):c.2459A>T (p.Asp820Val)

Gene: FLNC (filamin C; plus strand). Cytogenetic location: 7q32.1.
Variant type: single nucleotide variant.
Coding change: c.2459A>T on transcript NM_001458.5 (MANE Select); coding-DNA position 2459, A replaced by T.
Protein change: p.Asp820Val; replaces aspartic acid 820 with valine.
Molecular consequence: missense variant.
Genome position (GRCh38, 1-based): chr7:128,842,863, A>T. VCF-style: chr7-128842863-A-T. GRCh37 (hg19) VCF-style: chr7-128482917-A-T.
Other names: c.2459A>T, p.Asp820Val (NM_001127487.2); short protein forms D820V.
Identifiers: ClinVar variation 291057 (VCV000291057.16), dbSNP rs886044638, ClinGen allele CA10607003.
Genomic context (GRCh38, chr7:128,842,863, plus strand): 5'-GCATCGGCATCAAGTGCGCCCCAGGCGTGGTGGGCCCTGCAGAGGCTGACATTGACTTCG[A>T]CATCATCAAGAATGACAACGACACCTTCACCGTCAAGTACACGCCACCAGGGGCGGGCCG-3'
Protein context (NP_001449.3, residues 810-830): VGPAEADIDF[Asp820Val]IIKNDNDTFT

ClinVar aggregate classification (germline): Uncertain significance. Review status: criteria provided, multiple submitters, no conflicts (2 of 4 stars). 3 submissions from 3 submitters: Uncertain significance (3). Last evaluated 2025-10-08.

Conditions:
Hypertrophic cardiomyopathy 26. Also called: Cardiomyopathy, familial hypertrophic, 26. Identifiers: Orphanet 75249, MedGen C4310749, MONDO:0014883, OMIM 617047.
Myofibrillar myopathy 5. Also called: Filaminopathy (type); FILAMINOPATHY, AUTOSOMAL DOMINANT. Identifiers: Orphanet 171445, MedGen C1836050, MONDO:0012289, OMIM 609524.
Distal myopathy with posterior leg and anterior hand involvement. Also called: WILLIAMS DISTAL MYOPATHY. Identifiers: Orphanet 63273, MedGen C3279722, MONDO:0013550, OMIM 614065.
Cardiovascular phenotype. Identifiers: MedGen CN230736.

Allele frequency attached by ClinVar (database versions not stated): gnomAD exomes 0.00001; TOPMed 0.00001.
gnomAD v4.1: 11 of 1,614,010 alleles (0.00068%); highest among the groups gnomAD compares: Middle Eastern, 0.016%; no homozygotes.

Submissions (3):

Labcorp Genetics (formerly Invitae), Labcorp
Classification: Uncertain significance for Distal myopathy with posterior leg and anterior hand involvement; Myofibrillar myopathy 5; Hypertrophic cardiomyopathy 26. Last evaluated: 2025-10-08. Review status: criteria provided, single submitter. Criteria: Invitae Variant Classification Sherloc (09022015). Collection method: clinical testing. Allele origin: germline.
Comment: This sequence change replaces aspartic acid, which is acidic and polar, with valine, which is neutral and non-polar, at codon 820 of the FLNC protein (p.Asp820Val). This variant is not present in population databases (gnomAD no frequency). This variant has not been reported in the literature in individuals affected with FLNC-related conditions. ClinVar contains an entry for this variant (Variation ID: 291057). Invitae Evidence Modeling of protein sequence and biophysical properties (such as structural, functional, and spatial information, amino acid conservation, physicochemical variation, residue mobility, and thermodynamic stability) has been performed for this missense variant. However, the output from this modeling did not meet the statistical confidence thresholds required to predict the impact of this variant on FLNC protein function. In summary, the available evidence is currently insufficient to determine the role of this variant in disease. Therefore, it has been classified as a Variant of Uncertain Significance.

Ambry Genetics
Classification: Uncertain significance for Cardiovascular phenotype. Last evaluated: 2021-12-24. Review status: criteria provided, single submitter. Criteria: Ambry Variant Classification Scheme 2023. Collection method: clinical testing. Allele origin: germline.
Comment: The p.D820V variant (also known as c.2459A>T), located in coding exon 16 of the FLNC gene, results from an A to T substitution at nucleotide position 2459. The aspartic acid at codon 820 is replaced by valine, an amino acid with highly dissimilar properties. This amino acid position is conserved. In addition, this alteration is predicted to be deleterious by in silico analysis. Since supporting evidence is limited at this time, the clinical significance of this alteration remains unclear.

Eurofins Ntd Llc (ga)
Classification: Uncertain significance. Last evaluated: 2016-09-20. Review status: criteria provided, single submitter. Criteria: EGL Classification Definitions 2015. Collection method: clinical testing. Allele origin: germline. Observed: 1 variant allele, 1 heterozygote.